The following is an entry in ClinVar:

ClinVar aggregate classification (germline): Conflicting classifications of pathogenicity. Review status: criteria provided, conflicting classifications (1 of 4 stars). 5 submissions from 5 submitters: Likely pathogenic (1); Uncertain significance (3). 1 of the submissions does not count toward it. Last evaluated 2024-07-11.

Conditions:
NPHS1-related disorder. Also called: NPHS1-related condition.
Finnish congenital nephrotic syndrome (NPHS1). Also called: NEPHROTIC SYNDROME, TYPE 1. Identifiers: Orphanet 839, MedGen C0403399, MONDO:0009732, OMIM 256300.

Allele frequency attached by ClinVar (database versions not stated): gnomAD exomes 0.00001; ExAC 0.00002.
gnomAD v4.1: 13 of 1,613,754 alleles (0.00081%); highest among the groups gnomAD compares: South Asian, 0.0099%; no homozygotes.

Submissions (5):

Blueprint Genetics
Classification: Likely pathogenic for NPHS1-related disorders. Last evaluated: 2024-07-11. Review status: criteria provided, single submitter. Criteria: ACMG Guidelines, 2015. Collection method: clinical testing. Allele origin: germline. Affected: yes. Observed: 2 variant alleles.

Fulgent Genetics
Classification: Uncertain significance for Finnish congenital nephrotic syndrome. Last evaluated: 2024-04-05. Review status: criteria provided, single submitter. Criteria: ACMG Guidelines, 2015. Collection method: clinical testing. Allele origin: germline.

Broad Center for Mendelian Genomics, Broad Institute of MIT and Harvard
Classification: Uncertain significance for Finnish congenital nephrotic syndrome. Last evaluated: 2018-12-03. Review status: criteria provided, single submitter. Criteria: ACMG Guidelines, 2015. Collection method: research. Allele origin: germline. Inheritance: Autosomal recessive inheritance. Affected: yes.
Comment: This variant was seen in 0.006511% (2/30718) of South Asian chromosomes and 0.0009039% (1/110628) of European (non-Finnish) chromosomes by the Genome Aggregation Database (gnomAD; dbSNP rs386833934). Although this variant has been seen in the general population, its frequency is low enough to be consistent with a recessive carrier frequency. Computational prediction tools and conservation analyses do not provide strong support for or against an impact to the protein. The p.Ala107Val variant in NPHS1 has been reported in two unrelated individuals in the heterozygous state, one with a splice site variant in trans, with nephrotic syndrome (PMID: 20172850). The presence of this variant in combination with a splice site variant and in an individual with nephrotic syndrome increases the likelihood that the p.Ala107Val variant is pathogenic. In summary, the clinical significance of this variant is uncertain. ACMG/AMP Criteria applied: PM2, PM3_Supporting (Richards 2015).

Vasylyeva lab, Texas Tech University Health Sciences Center
Classification: Uncertain significance for Finnish congenital nephrotic syndrome. Last evaluated: 2018-12-03. Review status: criteria provided, single submitter. Criteria: ACMG Guidelines, 2015. Collection method: clinical testing. Allele origin: unknown. Affected: yes.

Juha Muilu Group; Institute for Molecular Medicine Finland (FIMM)
Classification: Likely pathogenic for Finnish congenital nephrotic syndrome. Review status: no assertion criteria provided. Collection method: not provided. Allele origin: unknown. Not counted in ClinVar's aggregate classification.
Comment: FinDis database variant: This variant was not found or characterized by our laboratory, data were collected from public sources: see reference
ClinVar note: Converted during submission from probable-pathogenic to Likely pathogenic.

Literature cited by the submitters: PubMed 20172850 (cited by Broad Center for Mendelian Genomics, Broad Institute of MIT and Harvard and Vasylyeva lab, Texas Tech University Health Sciences Center).

NM_004646.4(NPHS1):c.320C>T (p.Ala107Val)

Gene: NPHS1 (NPHS1 adhesion molecule, nephrin; minus strand). Cytogenetic location: 19q13.12.
Variant type: single nucleotide variant.
Coding change: c.320C>T on transcript NM_004646.4 (MANE Select); coding-DNA position 320, C replaced by T.
Protein change: p.Ala107Val; replaces alanine 107 with valine.
Molecular consequence: missense variant.
Genome position (GRCh38, 1-based): chr19:35,851,339, G>A on the plus strand (C>T on the coding strand, the complement: NPHS1 is on the minus strand). VCF-style: chr19-35851339-G-A. GRCh37 (hg19) VCF-style: chr19-36342241-G-A.
Other names: short protein forms A107V.
Identifiers: ClinVar variation 56495 (VCV000056495.6), dbSNP rs386833934, ClinGen allele CA250223.